The following is an entry in ClinVar:

ClinVar aggregate classification (germline): Uncertain significance (1 of 4 stars; one submission).

Submission:

Ambry Genetics
Classification: Uncertain significance. Last evaluated: 2026-03-27. Review status: criteria provided, single submitter. Criteria: Ambry Variant Classification Scheme 2023. Collection method: clinical testing. Allele origin: germline.
Comment: The p.V195E variant (also known as c.584T>A), located in coding exon 6 of the FAM175A gene, results from a T to A substitution at nucleotide position 584. The valine at codon 195 is replaced by glutamic acid, an amino acid with dissimilar properties. This amino acid position is conserved. In addition, the in silico prediction for this alteration is inconclusive. Based on the available evidence, the clinical significance of this variant remains unclear.

NM_139076.3(ABRAXAS1):c.584T>A (p.Val195Glu)

Gene: ABRAXAS1 (abraxas 1, BRCA1 A complex subunit; minus strand). Cytogenetic location: 4q21.23.
Variant type: single nucleotide variant.
Coding change: c.584T>A on transcript NM_139076.3 (MANE Select); coding-DNA position 584, T replaced by A.
Protein change: p.Val195Glu; replaces valine 195 with glutamic acid.
Molecular consequence: missense variant.
Genome position (GRCh38, 1-based): chr4:83,469,044, A>T on the plus strand (T>A on the coding strand, the complement: ABRAXAS1 is on the minus strand). VCF-style: chr4-83469044-A-T. GRCh37 (hg19) VCF-style: chr4-84390197-A-T.
Other names: c.257T>A, p.Val86Glu (NM_001345962.2); short protein forms V195E, V86E.
Identifiers: ClinVar variation 4864576 (VCV004864576.1).